The following is an entry in ClinVar:

ClinVar aggregate classification (germline): Uncertain significance. Review status: criteria provided, multiple submitters, no conflicts (2 of 4 stars). 2 submissions from 2 submitters: Uncertain significance (2). Last evaluated 2022-09-01.

Conditions:
Rienhoff syndrome. Also called: LOEYS-DIETZ SYNDROME 5. Identifiers: MedGen C3810012, MONDO:0014262, OMIM 615582.

Allele frequency attached by ClinVar (database versions not stated): gnomAD exomes below 0.00001.
gnomAD v4.1: 2 of 1,614,134 alleles (0.00012%); highest among the groups gnomAD compares: Non-Finnish European, 0.00017%; no homozygotes.

Submissions (2):

3billion
Classification: Uncertain significance for Rienhoff syndrome. Last evaluated: 2022-09-01. Review status: criteria provided, single submitter. Criteria: ACMG Guidelines, 2015. Collection method: clinical testing. Allele origin: germline. Affected: yes. Observed: 1 heterozygote.
Comment: The variant is not observed in the gnomAD v2.1.1 dataset. In silico tool predictions suggest damaging effect of the variant on gene or gene product. However, the evidence of pathogenicity is insufficient at this time. Therefore, this variant is classified as uncertain significance according to the recommendation of ACMG/AMP guideline.

Centre for Mendelian Genomics, University Medical Centre Ljubljana
Classification: Uncertain significance for Rienhoff syndrome. Last evaluated: 2019-04-09. Review status: criteria provided, single submitter. Criteria: ACMG Guidelines, 2015. Collection method: clinical testing. Allele origin: unknown. Affected: yes.
Comment: This variant was classified as: Uncertain significance. The available evidence on this variant's pathogenicity is insufficient or conflicting. The following ACMG criteria were applied in classifying this variant: PM2,PP3.

NM_003239.5(TGFB3):c.1190A>G (p.Lys397Arg)

Gene: TGFB3 (transforming growth factor beta 3; minus strand). Cytogenetic location: 14q24.3.
Variant type: single nucleotide variant.
Coding change: c.1190A>G on transcript NM_003239.5 (MANE Select); coding-DNA position 1190, A replaced by G.
Protein change: p.Lys397Arg; replaces lysine 397 with arginine.
Molecular consequence: missense variant.
Genome position (GRCh38, 1-based): chr14:75,959,236, T>C on the plus strand (A>G on the coding strand, the complement: TGFB3 is on the minus strand). VCF-style: chr14-75959236-T-C. GRCh37 (hg19) VCF-style: chr14-76425579-T-C.
Other names: c.1190A>G, p.Lys397Arg (NM_001329939.2); short protein forms K397R.
Identifiers: ClinVar variation 931529 (VCV000931529.4), dbSNP rs2035122885, ClinGen allele CA390466804.